The following is an entry in ClinVar:

NM_004525.3(LRP2):c.13692G>A (p.Glu4564=)

Gene: LRP2 (LDL receptor related protein 2; minus strand). Cytogenetic location: 2q31.1.
Variant type: single nucleotide variant.
Coding change: c.13692G>A on transcript NM_004525.3 (MANE Select); coding-DNA position 13692, G replaced by A.
Protein change: p.Glu4564=; no amino-acid change (glutamic acid 4564 retained).
Molecular consequence: synonymous variant.
Genome position (GRCh38, 1-based): chr2:169,132,610, C>T on the plus strand (G>A on the coding strand, the complement: LRP2 is on the minus strand). VCF-style: chr2-169132610-C-T. GRCh37 (hg19) VCF-style: chr2-169989120-C-T.
Other names: c.13692G>A (NM_004525.2).
Identifiers: ClinVar variation 1635706 (VCV001635706.10), dbSNP rs552294412, ClinGen allele CA1952460.
Genomic context (GRCh38, chr2:169,132,610, plus strand): 5'-ATTTCAGGAGTCGGCAACTGTTACCTGAGTTCCATCAGCAGCTGGTGAAGTTGGGTTTGT[C>T]TCTGGAACTATCTCAGAAGGGTTTATGGGACTTCCATAATTCTTATTATCCACATTTTCA-3'
Protein context (NP_004516.2, residues 4554-4574): SPINPSEIVP[Glu4564=]TNPTSPAADG

ClinVar aggregate classification (germline): Benign/Likely benign. Review status: criteria provided, multiple submitters, no conflicts (2 of 4 stars). 3 submissions from 3 submitters: Benign (1); Likely benign (2). Last evaluated 2026-04-21.

Conditions:
LRP2-related disorder. Also called: LRP2-related condition.

Allele frequency attached by ClinVar (database versions not stated): TOPMed 0.00003; gnomAD 0.00007; gnomAD exomes 0.00014 and 0.00027; ExAC 0.00030; 1000 Genomes Project 30x 0.00047; 1000 Genomes Project 0.00060.
gnomAD v4.1: 205 of 1,611,306 alleles (0.013%); highest among the groups gnomAD compares: South Asian, 0.21%; 3 homozygotes.

Submissions (3):

PreventionGenetics, part of Exact Sciences
Classification: Likely benign for LRP2-related condition. Last evaluated: 2026-04-21. Review status: criteria provided, single submitter. Criteria: ACMG Guidelines, 2015. Collection method: clinical testing. Allele origin: germline.
Comment: This variant is classified as likely benign based on ACMG/AMP sequence variant interpretation guidelines (Richards et al. 2015 PMID: 25741868, with internal and published modifications).

Labcorp Genetics (formerly Invitae), Labcorp
Classification: Benign. Last evaluated: 2026-01-28. Review status: criteria provided, single submitter. Criteria: Invitae Variant Classification Sherloc (09022015). Collection method: clinical testing. Allele origin: germline.

Blueprint Genetics
Classification: Likely benign. Last evaluated: 2024-11-04. Review status: criteria provided, single submitter. Criteria: ACMG Guidelines, 2015. Collection method: clinical testing. Allele origin: germline.